The following is an entry in ClinVar:

NM_020366.4(RPGRIP1):c.127C>G (p.Arg43Gly)

Gene: RPGRIP1 (RPGR interacting protein 1; plus strand). Cytogenetic location: 14q11.2.
Variant type: single nucleotide variant.
Coding change: c.127C>G on transcript NM_020366.4 (MANE Select); coding-DNA position 127, C replaced by G.
Protein change: p.Arg43Gly; replaces arginine 43 with glycine.
Molecular consequence: missense variant.
Genome position (GRCh38, 1-based): chr14:21,294,718, C>G. VCF-style: chr14-21294718-C-G. GRCh37 (hg19) VCF-style: chr14-21762877-C-G.
Other names: short protein forms R43G.
Identifiers: ClinVar variation 1061130 (VCV001061130.4), dbSNP rs751975588, ClinGen allele CA388857718.

ClinVar aggregate classification (germline): Uncertain significance (1 of 4 stars; one submission).

Conditions:
Cone-rod dystrophy 13 (CORD13). Identifiers: Orphanet 1872, MedGen C2750720, MONDO:0011987, OMIM 608194.
Leber congenital amaurosis 6 (LCA6). Identifiers: Orphanet 65, MedGen C1854260, MONDO:0013446, OMIM 613826.

Submission:

Labcorp Genetics (formerly Invitae), Labcorp
Classification: Uncertain significance for Leber congenital amaurosis 6; Cone-rod dystrophy 13. Last evaluated: 2022-08-21. Review status: criteria provided, single submitter. Criteria: Invitae Variant Classification Sherloc (09022015). Collection method: clinical testing. Allele origin: germline.
Comment: This sequence change replaces arginine, which is basic and polar, with glycine, which is neutral and non-polar, at codon 43 of the RPGRIP1 protein (p.Arg43Gly). This variant is present in population databases (no rsID available, gnomAD 0.003%). This variant has not been reported in the literature in individuals affected with RPGRIP1-related conditions. ClinVar contains an entry for this variant (Variation ID: 1061130). Algorithms developed to predict the effect of missense changes on protein structure and function are either unavailable or do not agree on the potential impact of this missense change (SIFT: "Tolerated"; PolyPhen-2: "Possibly Damaging"; Align-GVGD: "Class C0"). In summary, the available evidence is currently insufficient to determine the role of this variant in disease. Therefore, it has been classified as a Variant of Uncertain Significance.